The following is an entry in ClinVar:

NM_013328.4(PYCR2):c.114C>T (p.Asn38=)

Gene: PYCR2 (pyrroline-5-carboxylate reductase 2; minus strand). Cytogenetic location: 1q42.12.
Variant type: single nucleotide variant.
Coding change: c.114C>T on transcript NM_013328.4 (MANE Select); coding-DNA position 114, C replaced by T.
Protein change: p.Asn38=; no amino-acid change (asparagine 38 retained).
Molecular consequence: synonymous variant.
Genome position (GRCh38, 1-based): chr1:225,923,725, G>A on the plus strand (C>T on the coding strand, the complement: PYCR2 is on the minus strand). VCF-style: chr1-225923725-G-A. GRCh37 (hg19) VCF-style: chr1-226111425-G-A.
Other names: p.Asn38=; c.114C>T, p.Asn38= (NM_001271681.2).
Identifiers: ClinVar variation 4684197 (VCV004684197.1).
Genomic context (GRCh38, chr1:225,923,725, plus strand): 5'-CTCCACCCGCTTCCCACTCCGCCCGGCTCCACCTACCCTGAGCGCGGACACCGTGGGCAG[G>A]TTCATTTCTGGGGAGCTGGCTATTATCTTGTGAGCCGACAGGATGCCTGCAGAAGACAGA-3'
Protein context (NP_037460.2, residues 28-48): HKIIASSPEM[Asn38=]LPTVSALRKM

ClinVar aggregate classification (germline): Likely benign (1 of 4 stars; one submission).

Submission:

Mayo Clinic Laboratories, Mayo Clinic
Classification: Likely benign. Last evaluated: 2025-04-29. Review status: criteria provided, single submitter. Criteria: ACMG Guidelines, 2015. Collection method: clinical testing. Allele origin: germline. Observed: 1 variant allele.
Comment: BP4, BP7